The following is an entry in ClinVar:

NM_004700.4(KCNQ4):c.872C>T (p.Pro291Leu)

Gene: KCNQ4 (potassium voltage-gated channel subfamily Q member 4; plus strand). Cytogenetic location: 1p34.2.
Variant type: single nucleotide variant.
Coding change: c.872C>T on transcript NM_004700.4 (MANE Select); coding-DNA position 872, C replaced by T.
Protein change: p.Pro291Leu; replaces proline 291 with leucine.
Molecular consequence: missense variant.
Genome position (GRCh38, 1-based): chr1:40,819,912, C>T. VCF-style: chr1-40819912-C-T. GRCh37 (hg19) VCF-style: chr1-41285584-C-T.
Other names: c.872C>T, p.Pro291Leu (NM_172163.3); short protein forms P291L.
Identifiers: ClinVar variation 208370 (VCV000208370.32), dbSNP rs797044970, ClinGen allele CA347354.
Genomic context (GRCh38, chr1:40,819,912, plus strand): 5'-CTGTAACCTGTTTGTGTCTCCAGATTACATTGACAACCATCGGCTATGGTGACAAGACAC[C>T]GCACACATGGCTGGGCAGGGTCCTGGCTGCTGGCTTCGCCTTACTGGGCATCTCTTTCTT-3'
Protein context (NP_004691.2, residues 281-301): LTTIGYGDKT[Pro291Leu]HTWLGRVLAA

ClinVar aggregate classification (germline): Pathogenic/Likely pathogenic. Review status: criteria provided, multiple submitters, no conflicts (2 of 4 stars). 4 submissions from 4 submitters: Pathogenic (1); Likely pathogenic (2). 1 of the submissions does not count toward it. Last evaluated 2025-03-04.

Conditions:
Autosomal dominant nonsyndromic hearing loss 2A. Also called: Autosomal dominant nonsyndromic deafness 2A; DFNA2 Nonsyndromic Hearing Loss; Deafness, autosomal dominant 2A. Identifiers: Orphanet 90635, MedGen C2677637, MONDO:0010817, OMIM 600101.

Submissions (4):

Institute of Human Genetics, University of Leipzig Medical Center
Classification: Likely pathogenic for Autosomal dominant nonsyndromic hearing loss 2A. Last evaluated: 2025-03-04. Review status: criteria provided, single submitter. Criteria: ACMG Guidelines, 2015. Collection method: clinical testing. Allele origin: unknown. Inheritance: Autosomal dominant inheritance. Affected: yes.
Comment: Criteria applied: PS4_MOD,PM1,PM5,PM2_SUP,PP3

Labcorp Genetics (formerly Invitae), Labcorp
Classification: Likely pathogenic. Last evaluated: 2023-04-22. Review status: criteria provided, single submitter. Criteria: Invitae Variant Classification Sherloc (09022015). Collection method: clinical testing. Allele origin: germline.
Comment: In summary, the currently available evidence indicates that the variant is pathogenic, but additional data are needed to prove that conclusively. Therefore, this variant has been classified as Likely Pathogenic. Experimental studies have shown that this missense change affects KCNQ4 function (PMID: 31995783, 34622280). Advanced modeling of protein sequence and biophysical properties (such as structural, functional, and spatial information, amino acid conservation, physicochemical variation, residue mobility, and thermodynamic stability) performed at Invitae indicates that this missense variant is expected to disrupt KCNQ4 protein function. ClinVar contains an entry for this variant (Variation ID: 208370). This missense change has been observed in individual(s) with autosomal recessive deafness (PMID: 23717403, 31028865). It has also been observed to segregate with disease in related individuals. This variant has been reported in individual(s) with autosomal dominant deafness (PMID: 31028865); however, the role of the variant in this condition is currently unclear. This variant is not present in population databases (gnomAD no frequency). This sequence change replaces proline, which is neutral and non-polar, with leucine, which is neutral and non-polar, at codon 291 of the KCNQ4 protein (p.Pro291Leu).

CeGaT Center for Human Genetics Tuebingen
Classification: Pathogenic. Last evaluated: 2023-01-01. Review status: criteria provided, single submitter. Criteria: CeGaT Center For Human Genetics Tuebingen Variant Classification Criteria Version 2. Collection method: clinical testing. Allele origin: germline. Affected: yes. Observed: 2 variant alleles.

ClinVar Staff, National Center for Biotechnology Information (NCBI)
Classification: Pathogenic for Autosomal dominant nonsyndromic hearing loss 2A. Last evaluated: 2015-08-20. Review status: no assertion criteria provided. Collection method: literature only. Allele origin: germline. Affected: yes. Not counted in ClinVar's aggregate classification.
Comment: This variant used to be reported in GeneReviews NBK1209.

Literature cited by the submitters: PubMed 31995783 (cited by Labcorp Genetics (formerly Invitae), Labcorp); PubMed 34622280 (cited by Labcorp Genetics (formerly Invitae), Labcorp); PubMed 23717403 (cited by Labcorp Genetics (formerly Invitae), Labcorp and ClinVar Staff, National Center for Biotechnology Information (NCBI)); PubMed 31028865 (cited by Labcorp Genetics (formerly Invitae), Labcorp); PubMed 20301388 (cited by ClinVar Staff, National Center for Biotechnology Information (NCBI)).